The following is an entry in ClinVar:

ClinVar aggregate classification (germline): Benign. Review status: criteria provided, multiple submitters, no conflicts (2 of 4 stars). 11 submissions from 11 submitters: Benign (9). 2 of the submissions do not count toward it. Last evaluated 2026-02-03.

Conditions:
Holoprosencephaly 11 (HPE11). Identifiers: Orphanet 2162, MedGen C3280215, MONDO:0013642, OMIM 614226.
Holoprosencephaly 1. Also called: DEMYER SEQUENCE; HOLOPROSENCEPHALY, FAMILIAL ALOBAR; ARHINENCEPHALY; HPE, FAMILIAL. Identifiers: Orphanet 2162, MedGen C0266667, MONDO:0009349, OMIM 236100.

Allele frequency attached by ClinVar (database versions not stated): gnomAD exomes 0.69928; ESP Exome Variant Server 0.73000; ExAC 0.73099; gnomAD 0.74435; TOPMed 0.75909; 1000 Genomes Project 30x 0.80918.

Submissions (11):

Labcorp Genetics (formerly Invitae), Labcorp
Classification: Benign for Holoprosencephaly 11. Last evaluated: 2026-02-03. Review status: criteria provided, single submitter. Criteria: Invitae Variant Classification Sherloc (09022015). Collection method: clinical testing. Allele origin: germline.

Laboratory of Genetics, Children's Clinical University Hospital Latvia
Classification: Benign. Last evaluated: 2025-02-16. Review status: criteria provided, single submitter. Criteria: ACMG Guidelines, 2015. Collection method: clinical testing. Allele origin: germline. Affected: yes.

Blueprint Genetics
Classification: Benign. Last evaluated: 2024-11-27. Review status: criteria provided, single submitter. Criteria: ACMG Guidelines, 2015. Collection method: clinical testing. Allele origin: germline.

Genome-Nilou Lab
Classification: Benign for Holoprosencephaly 11. Last evaluated: 2021-07-22. Review status: criteria provided, single submitter. Criteria: ACMG Guidelines, 2015. Collection method: clinical testing. Allele origin: germline. Affected: no.

Mendelics
Classification: Benign for Holoprosencephaly 1. Last evaluated: 2019-05-28. Review status: criteria provided, single submitter. Criteria: Mendelics Assertion Criteria 2017. Collection method: clinical testing. Allele origin: unknown.

GeneDx
Classification: Benign. Last evaluated: 2018-11-10. Review status: criteria provided, single submitter. Criteria: GeneDx Variant Classification Process June 2021. Collection method: clinical testing. Allele origin: germline. Affected: yes.

Illumina Laboratory Services, Illumina
Classification: Benign for Holoprosencephaly 11. Last evaluated: 2018-01-12. Review status: criteria provided, single submitter. Criteria: ICSL Variant Classification Criteria 13 December 2019. Collection method: clinical testing. Allele origin: germline.
Comment: This variant was observed in the ICSL laboratory as part of a predisposition screen in an ostensibly healthy population. It had not been previously curated by ICSL or reported in the Human Gene Mutation Database (HGMD: prior to June 1st, 2018), and was therefore a candidate for classification through an automated scoring system. Utilizing variant allele frequency, disease prevalence and penetrance estimates, and inheritance mode, an automated score was calculated to assess if this variant is too frequent to cause the disease. Based on the score and internal cut-off values, a variant classified as benign is not then subjected to further curation. The score for this variant resulted in a classification of benign for this disease.

Breakthrough Genomics
Classification: Benign. Review status: criteria provided, single submitter. Criteria: ACMG Guidelines, 2015. Collection method: not provided. Allele origin: germline. Inheritance: Autosomal dominant inheritance. Affected: yes.

PreventionGenetics, part of Exact Sciences
Classification: Benign. Review status: criteria provided, single submitter. Criteria: ACMG Guidelines, 2015. Collection method: clinical testing. Allele origin: germline.

Clinical Genetics, Academic Medical Center
Classification: Benign. Review status: no assertion criteria provided. Collection method: clinical testing. Allele origin: germline. Affected: yes. Study: VKGL Data-share Consensus. Not counted in ClinVar's aggregate classification.

Diagnostic Laboratory, Department of Genetics, University Medical Center Groningen
Classification: Benign. Review status: no assertion criteria provided. Collection method: clinical testing. Allele origin: germline. Affected: yes. Study: VKGL Data-share Consensus. Not counted in ClinVar's aggregate classification.

NM_001378964.1(CDON):c.3662T>A (p.Ile1221Asn)

Gene: CDON (cell adhesion associated, oncogene regulated; minus strand). Cytogenetic location: 11q24.2.
Variant type: single nucleotide variant.
Coding change: c.3662T>A on transcript NM_001378964.1 (MANE Select); coding-DNA position 3662, T replaced by A.
Protein change: p.Ile1221Asn; replaces isoleucine 1221 with asparagine.
Molecular consequence: missense variant.
Genome position (GRCh38, 1-based): chr11:125,961,075, A>T on the plus strand (T>A on the coding strand, the complement: CDON is on the minus strand). VCF-style: chr11-125961075-A-T. GRCh37 (hg19) VCF-style: chr11-125830970-A-T.
Other names: c.3731T>A, p.Ile1244Asn (NM_001243597.3); c.3662T>A, p.Ile1221Asn (NM_016952.6); short protein forms I1221N, I1244N.
Identifiers: ClinVar variation 260799 (VCV000260799.27), dbSNP rs684535, ClinGen allele CA6351310.